The following is an entry in ClinVar:

ClinVar aggregate classification (germline): Uncertain significance (1 of 4 stars; one submission).

Allele frequency attached by ClinVar (database versions not stated): gnomAD exomes below 0.00001.
gnomAD v4.1: 2 of 1,614,116 alleles (0.00012%); highest among the groups gnomAD compares: African/African-American, 0.0013%; no homozygotes.

Submission:

Labcorp Genetics (formerly Invitae), Labcorp
Classification: Uncertain significance. Last evaluated: 2022-06-13. Review status: criteria provided, single submitter. Criteria: Invitae Variant Classification Sherloc (09022015). Collection method: clinical testing. Allele origin: germline.
Comment: This variant has not been reported in the literature in individuals affected with FAT4-related conditions. This variant is not present in population databases (gnomAD no frequency). This sequence change replaces serine, which is neutral and polar, with proline, which is neutral and non-polar, at codon 546 of the FAT4 protein (p.Ser546Pro). Advanced modeling of protein sequence and biophysical properties (such as structural, functional, and spatial information, amino acid conservation, physicochemical variation, residue mobility, and thermodynamic stability) performed at Invitae indicates that this missense variant is not expected to disrupt FAT4 protein function. In summary, the available evidence is currently insufficient to determine the role of this variant in disease. Therefore, it has been classified as a Variant of Uncertain Significance.

NM_001291303.3(FAT4):c.1636T>C (p.Ser546Pro)

Gene: FAT4 (FAT atypical cadherin 4; plus strand). Cytogenetic location: 4q28.1.
Variant type: single nucleotide variant.
Coding change: c.1636T>C on transcript NM_001291303.3 (MANE Select); coding-DNA position 1636, T replaced by C.
Protein change: p.Ser546Pro; replaces serine 546 with proline.
Molecular consequence: missense variant.
Genome position (GRCh38, 1-based): chr4:125,318,047, T>C. VCF-style: chr4-125318047-T-C. GRCh37 (hg19) VCF-style: chr4-126239202-T-C.
Other names: c.1636T>C, p.Ser546Pro (NM_001291285.3, NM_024582.6); short protein forms S546P.
Identifiers: ClinVar variation 1375475 (VCV001375475.6), dbSNP rs1371537193, ClinGen allele CA358118324.
Genomic context (GRCh38, chr4:125,318,047, plus strand): 5'-AGTGAACATAGCGGCCTCGTGACCACTGGGTCCTCTGGGGGCCTGGACCGTGAACTTGCT[T>C]CCCAGATTGTTCTGAATATAAGTGCCCGGGACCAGGGAGTTCACCCCAAGGTGTCCTATG-3'
Protein context (NP_001278232.1, residues 536-556): SSGGLDRELA[Ser546Pro]QIVLNISARD